The following is an entry in ClinVar:

NM_000051.4(ATM):c.353A>G (p.Gln118Arg)

Gene: ATM (ATM serine/threonine kinase; plus strand). Cytogenetic location: 11q22.3.
Variant type: single nucleotide variant.
Coding change: c.353A>G on transcript NM_000051.4 (MANE Select); coding-DNA position 353, A replaced by G.
Protein change: p.Gln118Arg; replaces glutamine 118 with arginine.
Molecular consequence: missense variant.
Genome position (GRCh38, 1-based): chr11:108,235,691, A>G. VCF-style: chr11-108235691-A-G. GRCh37 (hg19) VCF-style: chr11-108106418-A-G.
Other names: c.353A>G, p.Gln118Arg (NM_001351834.2); short protein forms Q118R.
Identifiers: ClinVar variation 524237 (VCV000524237.8), dbSNP rs1555059070, ClinGen allele CA382524626.
Genomic context (GRCh38, chr11:108,235,691, plus strand): 5'-CAAATTTATGTTTTTCTTTATTTGTTTATTTTGAAATAGGAGCACCTAGGCTAAAATGTC[A>G]AGAACTCTTAAATTATATCATGGATACAGTGAAAGATTCATCTAATGGTGCTATTTACGG-3'
Protein context (NP_000042.3, residues 108-128): ANRRAPRLKC[Gln118Arg]ELLNYIMDTV

ClinVar aggregate classification (germline): Uncertain significance. Review status: criteria provided, multiple submitters, no conflicts (2 of 4 stars). 2 submissions from 2 submitters: Uncertain significance (2). Last evaluated 2024-07-17.

Conditions:
Hereditary cancer-predisposing syndrome. Also called: Neoplastic Syndromes, Hereditary; Tumor predisposition; Hereditary Cancer Syndrome; Hereditary neoplastic syndrome. Identifiers: Orphanet 140162, MedGen C0027672, MeSH D009386, MONDO:0015356.
Ataxia-telangiectasia syndrome (AT). Also called: ATAXIA-TELANGIECTASIA, COMPLEMENTATION GROUP A; ATAXIA-TELANGIECTASIA, FRESNO VARIANT; Ataxia-telangiectasia; Ataxia-telangiectasia, complementation group D; AT, COMPLEMENTATION GROUP C; Ataxia-telangiectasia, complementation group E. Identifiers: Orphanet 100, MedGen C0004135, MONDO:0008840, OMIM 208900.

Submissions (2):

Ambry Genetics
Classification: Uncertain significance for Hereditary cancer-predisposing syndrome. Last evaluated: 2024-07-17. Review status: criteria provided, single submitter. Criteria: Ambry Variant Classification Scheme 2023. Collection method: clinical testing. Allele origin: germline.
Comment: The p.Q118R variant (also known as c.353A>G), located in coding exon 4 of the ATM gene, results from an A to G substitution at nucleotide position 353. The glutamine at codon 118 is replaced by arginine, an amino acid with highly similar properties. This amino acid position is conserved. In addition, this alteration is predicted to be tolerated by in silico analysis. Based on the available evidence, the clinical significance of this variant remains unclear.

Labcorp Genetics (formerly Invitae), Labcorp
Classification: Uncertain significance for Ataxia-telangiectasia syndrome. Last evaluated: 2017-10-03. Review status: criteria provided, single submitter. Criteria: Invitae Variant Classification Sherloc (09022015). Collection method: clinical testing. Allele origin: germline.
Comment: In summary, the available evidence is currently insufficient to determine the role of this variant in disease. Therefore, it has been classified as a Variant of Uncertain Significance. Algorithms developed to predict the effect of missense changes on protein structure and function do not agree on the potential impact of this missense change (SIFT: "Tolerated"; PolyPhen-2: "Possibly Damaging"; Align-GVGD: "Class C0"). This variant has not been reported in the literature in individuals with ATM-related disease. This variant is not present in population databases (ExAC no frequency). This sequence change replaces glutamine with arginine at codon 118 of the ATM protein (p.Gln118Arg). The glutamine residue is moderately conserved and there is a small physicochemical difference between glutamine and arginine.